The following is an entry in ClinVar:

ClinVar aggregate classification (germline): Uncertain significance (1 of 4 stars; one submission).

Conditions:
Inborn genetic diseases. Identifiers: MedGen C0950123, MeSH D030342.

gnomAD v4.1: 6 of 1,612,736 alleles (0.00037%); highest among the groups gnomAD compares: Admixed American, 0.01%; no homozygotes.

Submission:

Ambry Genetics
Classification: Uncertain significance for Inborn genetic diseases. Last evaluated: 2025-04-14. Review status: criteria provided, single submitter. Criteria: Ambry Variant Classification Scheme 2023. Collection method: clinical testing. Allele origin: germline.
Comment: The p.F742S variant (also known as c.2225T>C), located in coding exon 14 of the CDH2 gene, results from a T to C substitution at nucleotide position 2225. The phenylalanine at codon 742 is replaced by serine, an amino acid with highly dissimilar properties. This amino acid position is conserved. In addition, this alteration is predicted to be deleterious by in silico analysis. Based on the available evidence, the clinical significance of this variant remains unclear.

NM_001792.5(CDH2):c.2225T>C (p.Phe742Ser)

Gene: CDH2 (cadherin 2; minus strand). Cytogenetic location: 18q12.1.
Variant type: single nucleotide variant.
Coding change: c.2225T>C on transcript NM_001792.5 (MANE Select); coding-DNA position 2225, T replaced by C.
Protein change: p.Phe742Ser; replaces phenylalanine 742 with serine.
Molecular consequence: missense variant.
Genome position (GRCh38, 1-based): chr18:27,983,068, A>G on the plus strand (T>C on the coding strand, the complement: CDH2 is on the minus strand). VCF-style: chr18-27983068-A-G. GRCh37 (hg19) VCF-style: chr18-25563032-A-G.
Other names: c.2132T>C, p.Phe711Ser (NM_001308176.2); short protein forms F742S, F711S.
Identifiers: ClinVar variation 3998900 (VCV003998900.1).